The following is an entry in ClinVar:

ClinVar aggregate classification (germline): Uncertain significance. Review status: criteria provided, multiple submitters, no conflicts (2 of 4 stars). 3 submissions from 3 submitters: Uncertain significance (3). Last evaluated 2025-08-27.

Conditions:
Brugada syndrome. Also called: Sudden unexplained nocturnal death syndrome; Sudden Unexplained Death Syndrome; Sudden Unexplained Nocturnal Death Syndrome (SUNDS); Sudden unexpected nocturnal death syndrome. Identifiers: Orphanet 130, MedGen C1142166, MONDO:0015263.
Cardiovascular phenotype. Identifiers: MedGen CN230736.
Brugada syndrome 1 (BRGDA1). Also called: RIGHT BUNDLE BRANCH BLOCK, ST SEGMENT ELEVATION, AND SUDDEN DEATH SYNDROME. Identifiers: Orphanet 130, MedGen C4551804, MONDO:0011001, OMIM 601144.

Allele frequency attached by ClinVar (database versions not stated): gnomAD 0.00002; TOPMed 0.00002.
gnomAD v4.1: 19 of 1,613,540 alleles (0.0012%); highest among the groups gnomAD compares: Admixed American, 0.0017%; no homozygotes.

Submissions (3):

Ambry Genetics
Classification: Uncertain significance for Cardiovascular phenotype. Last evaluated: 2025-08-27. Review status: criteria provided, single submitter. Criteria: Ambry Variant Classification Scheme 2023. Collection method: clinical testing. Allele origin: germline.
Comment: The p.T118I variant (also known as c.353C>T), located in coding exon 1 of the KCNJ8 gene, results from a C to T substitution at nucleotide position 353. The threonine at codon 118 is replaced by isoleucine, an amino acid with similar properties. This amino acid position is conserved. In addition, this alteration is predicted to be tolerated by in silico analysis. Since supporting evidence is limited at this time, the clinical significance of this alteration remains unclear.

Labcorp Genetics (formerly Invitae), Labcorp
Classification: Uncertain significance for Brugada syndrome. Last evaluated: 2024-08-14. Review status: criteria provided, single submitter. Criteria: Invitae Variant Classification Sherloc (09022015). Collection method: clinical testing. Allele origin: germline.
Comment: This sequence change replaces threonine, which is neutral and polar, with isoleucine, which is neutral and non-polar, at codon 118 of the KCNJ8 protein (p.Thr118Ile). This variant is present in population databases (rs770087869, gnomAD 0.004%). This variant has not been reported in the literature in individuals affected with KCNJ8-related conditions. ClinVar contains an entry for this variant (Variation ID: 431368). Invitae Evidence Modeling of protein sequence and biophysical properties (such as structural, functional, and spatial information, amino acid conservation, physicochemical variation, residue mobility, and thermodynamic stability) indicates that this missense variant is not expected to disrupt KCNJ8 protein function with a negative predictive value of 80%. In summary, the available evidence is currently insufficient to determine the role of this variant in disease. Therefore, it has been classified as a Variant of Uncertain Significance.

MVZ Martinsried, Medicover Genetics
Classification: Uncertain significance for Brugada syndrome 1. Last evaluated: 2016-12-29. Review status: criteria provided, single submitter. Criteria: ACMG Guidelines, 2015. Collection method: clinical testing. Allele origin: unknown. Affected: yes.

NM_004982.4(KCNJ8):c.353C>T (p.Thr118Ile)

Genes: KCNJ8-AS1 (KCNJ8 antisense RNA 1; plus strand), KCNJ8 (potassium inwardly rectifying channel subfamily J member 8; minus strand). Cytogenetic location: 12p12.1.
Variant type: single nucleotide variant.
Coding change: c.353C>T on transcript NM_004982.4 (MANE Select); coding-DNA position 353, C replaced by T.
Protein change: p.Thr118Ile; replaces threonine 118 with isoleucine.
Molecular consequence: missense variant.
Genome position (GRCh38, 1-based): chr12:21,773,264, G>A on the plus strand (C>T on the coding strand, the complement: KCNJ8 is on the minus strand). VCF-style: chr12-21773264-G-A. GRCh37 (hg19) VCF-style: chr12-21926198-G-A.
Other names: c.353C>T (NM_004982.2); short protein forms T118I.
Identifiers: ClinVar variation 431368 (VCV000431368.6), dbSNP rs770087869, ClinGen allele CA6480702.